The following is an entry in ClinVar:

ClinVar aggregate classification (germline): Uncertain significance (1 of 4 stars; one submission).

Submission:

Greenwood Genetic Center Diagnostic Laboratories, Greenwood Genetic Center
Classification: Uncertain significance. Last evaluated: 2020-12-21. Review status: criteria provided, single submitter. Criteria: ACMG Guidelines, 2015. Collection method: clinical testing. Allele origin: germline. Affected: yes.
Comment: PM2

NM_015100.4(POGZ):c.1139G>A (p.Cys380Tyr)

Gene: POGZ (pogo transposable element derived with ZNF domain; minus strand). Cytogenetic location: 1q21.3.
Variant type: single nucleotide variant.
Coding change: c.1139G>A on transcript NM_015100.4 (MANE Select); coding-DNA position 1139, G replaced by A.
Protein change: p.Cys380Tyr; replaces cysteine 380 with tyrosine.
Molecular consequence: missense variant.
Genome position (GRCh38, 1-based): chr1:151,425,001, C>T on the plus strand (G>A on the coding strand, the complement: POGZ is on the minus strand). VCF-style: chr1-151425001-C-T. GRCh37 (hg19) VCF-style: chr1-151397477-C-T.
Other names: c.1112G>A, p.Cys371Tyr (NM_001194937.2); c.953G>A, p.Cys318Tyr (NM_001194938.2); c.854G>A, p.Cys285Tyr (NM_145796.4); c.980G>A, p.Cys327Tyr (NM_207171.2); short protein forms C285Y, C318Y, C327Y, C371Y, C380Y.
Identifiers: ClinVar variation 1331551 (VCV001331551.4), dbSNP rs2102277991, ClinGen allele CA341972993.